The following is an entry in ClinVar:

ClinVar aggregate classification (germline): Uncertain significance (1 of 4 stars; one submission).

Submission:

Ambry Genetics
Classification: Uncertain significance. Last evaluated: 2024-08-07. Review status: criteria provided, single submitter. Criteria: Ambry Variant Classification Scheme 2023. Collection method: clinical testing. Allele origin: germline.
Comment: The p.G836E variant (also known as c.2507G>A) is located in coding exon 17 of the MYOM1 gene. The glycine at codon 836 is replaced by glutamic acid, an amino acid with similar properties. This change occurs in the first base pair of coding exon 17. This amino acid position is conserved. In addition, the in silico prediction for this alteration is inconclusive. Based on the available evidence, the clinical significance of this variant remains unclear.

NM_003803.4(MYOM1):c.2507G>A (p.Gly836Glu)

Gene: MYOM1 (myomesin 1; minus strand). Cytogenetic location: 18p11.31.
Variant type: single nucleotide variant.
Coding change: c.2507G>A on transcript NM_003803.4 (MANE Select); coding-DNA position 2507, G replaced by A.
Protein change: p.Gly836Glu; replaces glycine 836 with glutamic acid.
Molecular consequence: missense variant. On other transcripts: intron variant (1).
Genome position (GRCh38, 1-based): chr18:3,129,519, C>T on the plus strand (G>A on the coding strand, the complement: MYOM1 is on the minus strand). VCF-style: chr18-3129519-C-T. GRCh37 (hg19) VCF-style: chr18-3129517-C-T.
Other names: c.2506+1856G>A (NM_019856.2); short protein forms G836E.
Identifiers: ClinVar variation 3401848 (VCV003401848.1).